The following is an entry in ClinVar:

NM_000059.4(BRCA2):c.3586T>A (p.Leu1196Met)

Gene: BRCA2 (BRCA2 DNA repair associated; plus strand). Cytogenetic location: 13q13.1.
Variant type: single nucleotide variant.
Coding change: c.3586T>A on transcript NM_000059.4 (MANE Select); coding-DNA position 3586, T replaced by A.
Protein change: p.Leu1196Met; replaces leucine 1196 with methionine.
Molecular consequence: missense variant.
Genome position (GRCh38, 1-based): chr13:32,337,941, T>A. VCF-style: chr13-32337941-T-A. GRCh37 (hg19) VCF-style: chr13-32912078-T-A.
Other names: short protein forms L1196M.
Identifiers: ClinVar variation 462299 (VCV000462299.13), dbSNP rs1449762196, ClinGen allele CA387777406.

ClinVar aggregate classification (germline): Conflicting classifications of pathogenicity. Review status: criteria provided, conflicting classifications (1 of 4 stars). 4 submissions from 4 submitters: Uncertain significance (2); Likely benign (2). Last evaluated 2025-01-17.

Conditions:
Hereditary cancer-predisposing syndrome. Also called: Neoplastic Syndromes, Hereditary; Hereditary Cancer Syndrome; Hereditary neoplastic syndrome; Tumor predisposition. Identifiers: Orphanet 140162, MedGen C0027672, MeSH D009386, MONDO:0015356.
Hereditary breast ovarian cancer syndrome. Also called: Hereditary breast and ovarian cancer syndrome (HBOC); Hereditary breast and ovarian cancer syndrome; Breast and ovarian cancer; Hereditary breast and/or ovarian cancer syndrome; Hereditary breast and ovarian cancer; BRCA1- and BRCA2-Associated Hereditary Breast and Ovarian Cancer. Identifiers: Orphanet 145, MedGen C0677776, MeSH D061325, MONDO:0003582. Disease mechanism: loss of function.

Submissions (4):

Ambry Genetics
Classification: Likely benign for Hereditary cancer-predisposing syndrome. Last evaluated: 2025-01-17. Review status: criteria provided, single submitter. Criteria: Ambry Variant Classification Scheme 2023. Collection method: clinical testing. Allele origin: germline.

University of Washington Department of Laboratory Medicine, University of Washington
Classification: Likely benign for Hereditary cancer-predisposing syndrome. Last evaluated: 2023-03-23. Review status: criteria provided, single submitter. Criteria: Dines et al. (Genet Med. 2020). Collection method: curation. Allele origin: germline.
Comment: Missense variant in a coldspot region where missense variants are very unlikely to be pathogenic (PMID:31911673).

BRCA2 exon 11 coldspot. Reclassification based on statistical prior probability.

Labcorp Genetics (formerly Invitae), Labcorp
Classification: Uncertain significance for Hereditary breast ovarian cancer syndrome. Last evaluated: 2022-01-14. Review status: criteria provided, single submitter. Criteria: Invitae Variant Classification Sherloc (09022015). Collection method: clinical testing. Allele origin: germline.
Comment: In summary, the available evidence is currently insufficient to determine the role of this variant in disease. Therefore, it has been classified as a Variant of Uncertain Significance. Advanced modeling of protein sequence and biophysical properties (such as structural, functional, and spatial information, amino acid conservation, physicochemical variation, residue mobility, and thermodynamic stability) performed at Invitae indicates that this missense variant is not expected to disrupt BRCA2 protein function. ClinVar contains an entry for this variant (Variation ID: 462299). This variant has not been reported in the literature in individuals affected with BRCA2-related conditions. This variant is not present in population databases (gnomAD no frequency). This sequence change replaces leucine, which is neutral and non-polar, with methionine, which is neutral and non-polar, at codon 1196 of the BRCA2 protein (p.Leu1196Met).

Color Diagnostics, LLC DBA Color Health
Classification: Uncertain significance for Hereditary cancer-predisposing syndrome. Last evaluated: 2020-07-13. Review status: criteria provided, single submitter. Criteria: ACMG Guidelines, 2015. Collection method: clinical testing. Allele origin: germline.
Comment: This missense variant replaces leucine with methionine at codon 1196 of the BRCA2 protein. Computational prediction suggests that this variant may not impact protein structure and function (internally defined REVEL score threshold <= 0.5, PMID: 27666373). To our knowledge, functional studies have not been reported for this variant. This variant has not been reported in individuals affected with hereditary cancer in the literature. This variant has not been identified in the general population by the Genome Aggregation Database (gnomAD). The available evidence is insufficient to determine the role of this variant in disease conclusively. Therefore, this variant is classified as a Variant of Uncertain Significance.